The following is an entry in ClinVar:

NM_005560.6(LAMA5):c.10901C>T (p.Ala3634Val)

Gene: LAMA5 (laminin subunit alpha 5; minus strand). Cytogenetic location: 20q13.33.
Variant type: single nucleotide variant.
Coding change: c.10901C>T on transcript NM_005560.6 (MANE Select); coding-DNA position 10901, C replaced by T.
Protein change: p.Ala3634Val; replaces alanine 3634 with valine.
Molecular consequence: missense variant.
Genome position (GRCh38, 1-based): chr20:62,309,763, G>A on the plus strand (C>T on the coding strand, the complement: LAMA5 is on the minus strand). VCF-style: chr20-62309763-G-A. GRCh37 (hg19) VCF-style: chr20-60884819-G-A.
Other names: short protein forms A3634V.
Identifiers: ClinVar variation 2521399 (VCV002521399.3), dbSNP rs767866259, ClinGen allele CA9939547.
Genomic context (GRCh38, chr20:62,309,763, plus strand): 5'-AGGCCGCACTCACCAGGCAGGCCCCCGAGGTACAGAGGGGCTGGGGCACCAGCTGCAGCC[G>A]CCAGCAAGGGGCCCACGGTGTGGTTGCTCTGCGCGTCCACCTCCAGCCGGAGCACATTCC-3'
Protein context (NP_005551.3, residues 3624-3644): QSNHTVGPLL[Ala3634Val]AAAGAPAPLY

ClinVar aggregate classification (germline): Uncertain significance. Review status: criteria provided, multiple submitters, no conflicts (2 of 4 stars). 2 submissions from 2 submitters: Uncertain significance (2). Last evaluated 2024-10-11.

Conditions:
Inborn genetic diseases. Identifiers: MedGen C0950123, MeSH D030342.

Allele frequency attached by ClinVar (database versions not stated): gnomAD 0.00003; TOPMed 0.00003; ExAC 0.00004.
gnomAD v4.1: 48 of 1,604,914 alleles (0.003%); highest among the groups gnomAD compares: Admixed American, 0.0035%; no homozygotes.

Submissions (2):

Labcorp Genetics (formerly Invitae), Labcorp
Classification: Uncertain significance. Last evaluated: 2024-10-11. Review status: criteria provided, single submitter. Criteria: Invitae Variant Classification Sherloc (09022015). Collection method: clinical testing. Allele origin: germline.
Comment: This sequence change replaces alanine, which is neutral and non-polar, with valine, which is neutral and non-polar, at codon 3634 of the LAMA5 protein (p.Ala3634Val). This variant is present in population databases (rs767866259, gnomAD 0.007%). This variant has not been reported in the literature in individuals affected with LAMA5-related conditions. ClinVar contains an entry for this variant (Variation ID: 2521399). Invitae Evidence Modeling of protein sequence and biophysical properties (such as structural, functional, and spatial information, amino acid conservation, physicochemical variation, residue mobility, and thermodynamic stability) indicates that this missense variant is not expected to disrupt LAMA5 protein function with a negative predictive value of 80%. In summary, the available evidence is currently insufficient to determine the role of this variant in disease. Therefore, it has been classified as a Variant of Uncertain Significance.

Ambry Genetics
Classification: Uncertain significance for Inborn genetic diseases. Last evaluated: 2023-04-18. Review status: criteria provided, single submitter. Criteria: Ambry Variant Classification Scheme 2023. Collection method: clinical testing. Allele origin: germline.